The following is an entry in ClinVar:

ClinVar aggregate classification (germline): Uncertain significance (1 of 4 stars; one submission).

Submission:

Labcorp Genetics (formerly Invitae), Labcorp
Classification: Uncertain significance. Last evaluated: 2020-01-27. Review status: criteria provided, single submitter. Criteria: Invitae Variant Classification Sherloc (09022015). Collection method: clinical testing. Allele origin: germline.
Comment: In summary, the available evidence is currently insufficient to determine the role of this variant in disease. Therefore, it has been classified as a Variant of Uncertain Significance. Nucleotide substitutions within the consensus splice site are a relatively common cause of aberrant splicing (PMID: 17576681, 9536098). Algorithms developed to predict the effect of sequence changes on RNA splicing suggest that this variant may disrupt the consensus splice site, but this prediction has not been confirmed by published transcriptional studies. This variant has not been reported in the literature in individuals with CLCN5-related conditions. This variant is not present in population databases (ExAC no frequency). This sequence change falls in intron 11 of the CLCN5 gene. It does not directly change the encoded amino acid sequence of the CLCN5 protein, but it affects a nucleotide within the consensus splice site of the intron.

Literature cited by the submitters: PubMed 17576681; PubMed 9536098.

NM_001127898.4(CLCN5):c.2361-3T>G

Gene: CLCN5 (chloride voltage-gated channel 5; plus strand). Cytogenetic location: Xp11.23.
Variant type: single nucleotide variant.
Coding change: c.2361-3T>G on transcript NM_001127898.4 (MANE Select); 3 bases into the intron before coding-DNA position 2361, T replaced by G.
Molecular consequence: intron variant.
Genome position (GRCh38, 1-based): chrX:50,092,126, T>G. VCF-style: chrX-50092126-T-G. GRCh37 (hg19) VCF-style: chrX-49856783-T-G.
Other names: c.2361-3T>G (NM_001127899.4); c.2151-3T>G (NM_000084.5); c.2211-3T>G (NM_001282163.2).
Identifiers: ClinVar variation 1000294 (VCV001000294.9), dbSNP rs1934123025, ClinGen allele CA2428770592.